The following is an entry in ClinVar:

NM_000256.3(MYBPC3):c.1015C>T (p.Gln339Ter)

Gene: MYBPC3 (myosin binding protein C3; minus strand). Cytogenetic location: 11p11.2.
Variant type: single nucleotide variant.
Coding change: c.1015C>T on transcript NM_000256.3 (MANE Select); coding-DNA position 1015, C replaced by T.
Protein change: p.Gln339Ter; replaces glutamine 339 with a stop codon.
Molecular consequence: nonsense.
Genome position (GRCh38, 1-based): chr11:47,346,282, G>A on the plus strand (C>T on the coding strand, the complement: MYBPC3 is on the minus strand). VCF-style: chr11-47346282-G-A. GRCh37 (hg19) VCF-style: chr11-47367833-G-A.
Other names: p.Q339*:CAG>TAG; c.1015C>T, p.Gln339Ter (LRG_386t1); short protein forms Q339*.
Identifiers: ClinVar variation 181056 (VCV000181056.16), dbSNP rs730880631, ClinGen allele CA009690.

ClinVar aggregate classification (germline): Pathogenic/Likely pathogenic. Review status: criteria provided, multiple submitters, no conflicts (2 of 4 stars). 6 submissions from 6 submitters: Pathogenic (4); Likely pathogenic (1). 1 of the submissions does not count toward it. Last evaluated 2025-09-02.

Conditions:
Cardiovascular phenotype. Identifiers: MedGen CN230736.
MYBPC3-related disorder. Also called: MYBPC3-related disorders; MYBPC3-related condition; MYBPC3-related disease.
Hypertrophic cardiomyopathy. Also called: HYPERTROPHIC MYOCARDIOPATHY. Identifiers: Orphanet 217569, MedGen C0007194, MeSH D002312, MONDO:0005045, HP:0001639.

Submissions (6):

Labcorp Genetics (formerly Invitae), Labcorp
Classification: Pathogenic for Hypertrophic cardiomyopathy. Last evaluated: 2025-09-02. Review status: criteria provided, single submitter. Criteria: Invitae Variant Classification Sherloc (09022015). Collection method: clinical testing. Allele origin: germline.
Comment: This sequence change creates a premature translational stop signal (p.Gln339*) in the MYBPC3 gene. It is expected to result in an absent or disrupted protein product. Loss-of-function variants in MYBPC3 are known to be pathogenic (PMID: 19574547). This variant is not present in population databases (gnomAD no frequency). This premature translational stop signal has been observed in individual(s) with dilated cardiomyopathy (PMID: 29095814). ClinVar contains an entry for this variant (Variation ID: 181056). For these reasons, this variant has been classified as Pathogenic.

All of Us Research Program, National Institutes of Health
Classification: Pathogenic for Hypertrophic cardiomyopathy. Last evaluated: 2024-01-08. Review status: criteria provided, single submitter. Criteria: ACMG Guidelines, 2015. Collection method: clinical testing. Allele origin: germline. Inheritance: Autosomal dominant inheritance. Observed: 1 variant allele, 1 heterozygote.
Comment: This variant changes 1 nucleotide in exon 12 of the MYBPC3 gene, creating a premature translation stop signal. This variant is expected to result in an absent or non-functional protein product. This variant has been reported in one individual affected with hypertrophic cardiomyopathy (PMID: 30297972, 32841044). It has also been reported to occur de novo in one individual affected with dilated cardiomyopathy (PMID: 29095814). This variant has not been identified in the general population by the Genome Aggregation Database (gnomAD). Loss of MYBPC3 function is a known mechanism of disease. Based on the available evidence, this variant is classified as Pathogenic.

This study involves interpretation of variants in research participants for the purpose of population health screening. Participant phenotype was not available at the time of variant classification. Additional details can be found in publication PMID: 35346344, PMCID: PMC8962531

GeneDx
Classification: Pathogenic. Last evaluated: 2022-04-13. Review status: criteria provided, single submitter. Criteria: GeneDx Variant Classification Process June 2021. Collection method: clinical testing. Allele origin: germline. Affected: yes.
Comment: Not observed in large population cohorts (gnomAD); Nonsense variant predicted to result in protein truncation or nonsense mediated decay in a gene for which loss-of-function is a known mechanism of disease; This variant is associated with the following publications: (PMID: 29095814)

Ambry Genetics
Classification: Pathogenic for Cardiovascular phenotype. Last evaluated: 2019-06-11. Review status: criteria provided, single submitter. Criteria: Ambry Variant Classification Scheme 2023. Collection method: clinical testing. Allele origin: germline.
Comment: The p.Q339* pathogenic mutation (also known as c.1015C>T), located in coding exon 12 of the MYBPC3 gene, results from a C to T substitution at nucleotide position 1015. This changes the amino acid from a glutamine to a stop codon within coding exon 12. This alteration is expected to result in loss of function by premature protein truncation or nonsense-mediated mRNA decay. As such, this alteration is interpreted as a disease-causing mutation.

Stanford Center for Inherited Cardiovascular Disease, Stanford University
Classification: Likely pathogenic. Last evaluated: 2014-12-16. Review status: criteria provided, single submitter. Criteria: ACMG Guidelines, 2015. Collection method: provider interpretation. Allele origin: germline.

PreventionGenetics, part of Exact Sciences
Classification: Pathogenic for MYBPC3-related condition. Last evaluated: 2024-06-21. Review status: no assertion criteria provided. Collection method: clinical testing. Allele origin: germline. Not counted in ClinVar's aggregate classification.
Comment: The MYBPC3 c.1015C>T variant is predicted to result in premature protein termination (p.Gln339*). This variant was reported to occur de novo in an individual with dilated cardiomyopathy (Table S2. Hu et al. 2018. PubMed ID: 29095814). This variant was also reported as pathogenic in the de novo and heterozygous states in two individuals with hypertrophic cardiomyopathy (Table S1. Stava et al. 2022. PubMed ID: 35653365; Supplemental Table 1. Ho et al. 2018. PubMed ID: 30297972). This variant has not been reported in gnomAD, indicating this variant is rare. This variant is interpreted as pathogenic in ClinVar. Nonsense variants in MYBPC3 are expected to be pathogenic. This variant is interpreted as pathogenic.

Literature cited by the submitters: PubMed 19574547 (cited by Labcorp Genetics (formerly Invitae), Labcorp); PubMed 29095814 (cited by Labcorp Genetics (formerly Invitae), Labcorp and All of Us Research Program, National Institutes of Health); PubMed 30297972 (cited by All of Us Research Program, National Institutes of Health); PubMed 32841044 (cited by All of Us Research Program, National Institutes of Health).